The following is an entry in ClinVar:

ClinVar aggregate classification (germline): Benign. Review status: criteria provided, multiple submitters, no conflicts (2 of 4 stars). 3 submissions from 3 submitters: Benign (3). Last evaluated 2025-12-19.

Conditions:
Brain small vessel disease 2A, autosomal dominant. Also called: Porencephaly 2. Identifiers: Orphanet 2940, Orphanet 99810, MedGen C3280970, MONDO:0013773, OMIM 614483.

Allele frequency attached by ClinVar (database versions not stated): gnomAD exomes 0.00043 and 0.00107; ExAC 0.00135; gnomAD 0.00419 and 0.00447; ESP Exome Variant Server 0.00424; TOPMed 0.00439; 1000 Genomes Project 0.00559; 1000 Genomes Project 30x 0.00625.
gnomAD v4.1: 1,308 of 1,613,270 alleles (0.081%); highest among the groups gnomAD compares: African/African-American, 1.5%; 12 homozygotes.

Submissions (3):

Labcorp Genetics (formerly Invitae), Labcorp
Classification: Benign. Last evaluated: 2025-12-19. Review status: criteria provided, single submitter. Criteria: Invitae Variant Classification Sherloc (09022015). Collection method: clinical testing. Allele origin: germline.

Illumina Laboratory Services, Illumina
Classification: Benign for Brain small vessel disease 2A, autosomal dominant. Last evaluated: 2018-01-13. Review status: criteria provided, single submitter. Criteria: ICSL Variant Classification Criteria 13 December 2019. Collection method: clinical testing. Allele origin: germline.
Comment: This variant was observed in the ICSL laboratory as part of a predisposition screen in an ostensibly healthy population. It had not been previously curated by ICSL or reported in the Human Gene Mutation Database (HGMD: prior to June 1st, 2018), and was therefore a candidate for classification through an automated scoring system. Utilizing variant allele frequency, disease prevalence and penetrance estimates, and inheritance mode, an automated score was calculated to assess if this variant is too frequent to cause the disease. Based on the score and internal cut-off values, a variant classified as benign is not then subjected to further curation. The score for this variant resulted in a classification of benign for this disease.

Breakthrough Genomics
Classification: Benign. Review status: criteria provided, single submitter. Criteria: ACMG Guidelines, 2015. Collection method: not provided. Allele origin: germline. Inheritance: Autosomal dominant inheritance. Affected: yes.

NM_001846.4(COL4A2):c.4882-15C>T

Gene: COL4A2 (collagen type IV alpha 2 chain; plus strand). Cytogenetic location: 13q34.
Variant type: single nucleotide variant.
Coding change: c.4882-15C>T on transcript NM_001846.4 (MANE Select); 15 bases into the intron before coding-DNA position 4882, C replaced by T.
Molecular consequence: intron variant.
Genome position (GRCh38, 1-based): chr13:110,511,919, C>T. VCF-style: chr13-110511919-C-T. GRCh37 (hg19) VCF-style: chr13-111164266-C-T.
Identifiers: ClinVar variation 311188 (VCV000311188.13), dbSNP rs114427900, ClinGen allele CA7050691.